The following is an entry in ClinVar:

ClinVar aggregate classification (germline): Uncertain significance (1 of 4 stars; one submission).

Conditions:
Kabuki syndrome. Also called: NIIKAWA-KUROKI SYNDROME; Kabuki make-up syndrome. Identifiers: Orphanet 2322, MedGen C0796004, MONDO:0016512.

Allele frequency attached by ClinVar (database versions not stated): gnomAD exomes below 0.00001.
gnomAD v4.1: 2 of 1,613,924 alleles (0.00012%); highest among the groups gnomAD compares: Non-Finnish European, 0.00017%; no homozygotes.

Submission:

Labcorp Genetics (formerly Invitae), Labcorp
Classification: Uncertain significance for Kabuki syndrome. Last evaluated: 2022-11-12. Review status: criteria provided, single submitter. Criteria: Invitae Variant Classification Sherloc (09022015). Collection method: clinical testing. Allele origin: germline.
Comment: In summary, the available evidence is currently insufficient to determine the role of this variant in disease. Therefore, it has been classified as a Variant of Uncertain Significance. Advanced modeling of protein sequence and biophysical properties (such as structural, functional, and spatial information, amino acid conservation, physicochemical variation, residue mobility, and thermodynamic stability) performed at Invitae indicates that this missense variant is not expected to disrupt KMT2D protein function. This variant has not been reported in the literature in individuals affected with KMT2D-related conditions. This variant is not present in population databases (gnomAD no frequency). This sequence change replaces leucine, which is neutral and non-polar, with valine, which is neutral and non-polar, at codon 2993 of the KMT2D protein (p.Leu2993Val).

NM_003482.4(KMT2D):c.8977C>G (p.Leu2993Val)

Gene: KMT2D (lysine methyltransferase 2D; minus strand). Cytogenetic location: 12q13.12.
Variant type: single nucleotide variant.
Coding change: c.8977C>G on transcript NM_003482.4 (MANE Select); coding-DNA position 8977, C replaced by G.
Protein change: p.Leu2993Val; replaces leucine 2993 with valine.
Molecular consequence: missense variant.
Genome position (GRCh38, 1-based): chr12:49,038,379, G>C on the plus strand (C>G on the coding strand, the complement: KMT2D is on the minus strand). VCF-style: chr12-49038379-G-C. GRCh37 (hg19) VCF-style: chr12-49432162-G-C.
Other names: short protein forms L2993V.
Identifiers: ClinVar variation 2995646 (VCV002995646.3), dbSNP rs2120495854, ClinGen allele CA384740137.
Genomic context (GRCh38, chr12:49,038,379, plus strand): 5'-CCAGGTGAGCAAGCTCTTCATCATCCTCTAGGGCCTTGTGGGCATCAAAATCGTCATCCA[G>C]CTCGGGATCCTCACAGGGCAACTTCCCAGCTTCCAGGGCCAGAGGATTGGGGCGGCCAAG-3'
Protein context (NP_003473.3, residues 2983-3003): AGKLPCEDPE[Leu2993Val]DDDFDAHKAL